The following is an entry in ClinVar:

ClinVar aggregate classification (germline): Conflicting classifications of pathogenicity. Review status: criteria provided, conflicting classifications (1 of 4 stars). 11 submissions from 11 submitters: Uncertain significance (9); Likely benign (1). 1 of the submissions does not count toward it. Last evaluated 2024-12-11.

Conditions:
Charcot-Marie-Tooth disease type 4B3. Also called: Charcot-Marie-Tooth Neuropathy Type 4B3; CHARCOT-MARIE-TOOTH DISEASE, DEMYELINATING, TYPE 4B3. Identifiers: Orphanet 363981, MedGen C3695063, MONDO:0014117, OMIM 615284.
Tip-toe gait. Also called: Toe walking. Identifiers: MedGen C0427144, HP:0030051.

Allele frequency attached by ClinVar (database versions not stated): 1000 Genomes Project 0.00060; ExAC 0.00066; ESP Exome Variant Server 0.00074; 1000 Genomes Project 30x 0.00078; gnomAD exomes 0.00081; gnomAD 0.00084; TOPMed 0.00090.
gnomAD v4.1: 1,559 of 1,610,950 alleles (0.097%); highest among the groups gnomAD compares: Admixed American, 0.16%; 2 homozygotes.

Submissions (11):

Women's Health and Genetics/Laboratory Corporation of America, LabCorp
Classification: Likely benign. Last evaluated: 2024-12-11. Review status: criteria provided, single submitter. Criteria: LabCorp Variant Classification Summary - May 2015. Collection method: clinical testing. Allele origin: germline.
Comment: Variant summary: SBF1 c.4965G>C (p.Gln1655His) results in a non-conservative amino acid change in the encoded protein sequence. Three of five in-silico tools predict a benign effect of the variant on protein function. The variant allele was found at a frequency of 0.00081 in 244072 control chromosomes, predominantly at a frequency of 0.0016 within the Latino subpopulation in the gnomAD database. The observed variant frequency within Latino control individuals in the gnomAD database is approximately 2-fold of the estimated maximal expected allele frequency for a pathogenic variant in SBF1 causing Charcot-Marie-Tooth disease type 4B3 phenotype (0.0011). To our knowledge, no occurrence of c.4965G>C in individuals affected with Charcot-Marie-Tooth disease type 4B3 and no experimental evidence demonstrating its impact on protein function have been reported. ClinVar contains an entry for this variant (Variation ID: 618865). Based on the evidence outlined above, the variant was classified as likely benign.

Mayo Clinic Laboratories, Mayo Clinic
Classification: Uncertain significance. Last evaluated: 2024-10-29. Review status: criteria provided, single submitter. Criteria: ACMG Guidelines, 2015. Collection method: clinical testing. Allele origin: germline. Observed: 3 variant alleles.
Comment: BS1

Blueprint Genetics
Classification: Uncertain significance. Last evaluated: 2024-10-25. Review status: criteria provided, single submitter. Criteria: ACMG Guidelines, 2015. Collection method: clinical testing. Allele origin: germline.

Labcorp Genetics (formerly Invitae), Labcorp
Classification: Uncertain significance. Last evaluated: 2024-01-24. Review status: criteria provided, single submitter. Criteria: Invitae Variant Classification Sherloc (09022015). Collection method: clinical testing. Allele origin: germline.
Comment: This sequence change replaces glutamine, which is neutral and polar, with histidine, which is basic and polar, at codon 1655 of the SBF1 protein (p.Gln1655His). This variant is present in population databases (rs147869659, gnomAD 0.2%), and has an allele count higher than expected for a pathogenic variant. This variant has not been reported in the literature in individuals affected with SBF1-related conditions. ClinVar contains an entry for this variant (Variation ID: 618865). Advanced modeling of protein sequence and biophysical properties (such as structural, functional, and spatial information, amino acid conservation, physicochemical variation, residue mobility, and thermodynamic stability) performed at Invitae indicates that this missense variant is not expected to disrupt SBF1 protein function with a negative predictive value of 80%. In summary, the available evidence is currently insufficient to determine the role of this variant in disease. Therefore, it has been classified as a Variant of Uncertain Significance.

ARUP Laboratories, Molecular Genetics and Genomics, ARUP Laboratories
Classification: Uncertain significance for Charcot-Marie-Tooth disease type 4B3. Last evaluated: 2023-09-26. Review status: criteria provided, single submitter. Criteria: ARUP Molecular Germline Variant Investigation Process 2024. Collection method: clinical testing. Allele origin: germline.
Comment: The SBF1 c.4965G>C; p.Gln1655His variant (rs147869659), to our knowledge, has not been reported in the medical literature but is listed in the ClinVar database (Variation ID: 618865). The variant is reported in the Latino population with an allele frequency of 0.15% (54/35,022 alleles) in the Genome Aggregation Database. Computational analyses are uncertain whether this variant is neutral or deleterious (REVEL: 0.306). Due to limited information, the clinical significance of the p.Gln1655His variant is uncertain at this time.

Ambry Genetics
Classification: Uncertain significance. Last evaluated: 2021-08-30. Review status: criteria provided, single submitter. Criteria: Ambry Variant Classification Scheme 2023. Collection method: clinical testing. Allele origin: germline.

GeneDx
Classification: Uncertain significance. Last evaluated: 2021-01-13. Review status: criteria provided, single submitter. Criteria: GeneDx Variant Classification Process June 2021. Collection method: clinical testing. Allele origin: germline. Affected: yes.
Comment: Has not been previously published as pathogenic or benign to our knowledge; In silico analysis supports that this missense variant does not alter protein structure/function

Baylor Genetics
Classification: Uncertain significance for Charcot-Marie-Tooth disease type 4B3. Last evaluated: 2020-09-16. Review status: criteria provided, single submitter. Criteria: ACMG Guidelines, 2015. Collection method: clinical testing. Allele origin: unknown. Affected: yes.
Comment: This variant was determined to be of uncertain significance according to ACMG Guidelines, 2015 [PMID:25741868].

CeGaT Center for Human Genetics Tuebingen
Classification: Uncertain significance. Last evaluated: 2019-09-01. Review status: criteria provided, single submitter. Criteria: CeGaT Center For Human Genetics Tuebingen Variant Classification Criteria Version 2. Collection method: clinical testing. Allele origin: germline. Affected: yes. Observed: 1 variant allele.

Breakthrough Genomics
Classification: Uncertain significance. Review status: criteria provided, single submitter. Criteria: ACMG Guidelines, 2015. Collection method: not provided. Allele origin: germline. Inheritance: Autosomal dominant inheritance. Affected: yes.

Practice for Gait Abnormalities, David Pomarino, Competency Network Toe Walking C/o Practice Pomarino
Classification: Likely pathogenic for Tip-toe gait. Review status: no assertion criteria provided. Collection method: clinical testing. Allele origin: germline. Affected: yes. Not counted in ClinVar's aggregate classification.
Comment: Hereditary motor sensory neuropathy (HMSN), also known as Charcot-Marie-Tooth Disease (CMT), is the most commonly inherited peripheral polyneuropathy. It constitutes a group of inherited, progressive, motor and sensory peripheral nerve disorders with properties of demyelination, axonal degeneration, or both. It is classified by clinical characteristics, modes of inheritance, electrophysiologic features, metabolic defects, and specific gene markers. Our patients all walk on tiptoe, so they show similar symptoms. When we genetically test them with our toe walking panel, we find that around 90 per cent of them have a genetic variant that explains their toe walking. These can be assigned, for example, to the area of myopathies (such as variants of the COL6A3 gene), the area of hereditary neuropathies (such as variants of the KMT2C gene) or the area of metabolic diseases (such as variants of the PYGM gene). In a smaller group of patients with almost identical symptoms, no abnormality is found in the genes of our panel, but spastic paraplegia can be detected. In another small group of our toe walkers, no abnormalities can be detected in the genes analysed in our toe walking panel, nor do they suffer from spastic paraplegia, as is also the case with healthy children. In contrast to these, however, they show a tiptoe gait. These patients suffer from infantile cerebral palsy, in which toe walking can also be observed.

Literature cited by the submitters: PubMed 37091313 (cited by Practice for Gait Abnormalities, David Pomarino, Competency Network Toe Walking C/o Practice Pomarino).

NM_002972.4(SBF1):c.4965G>C (p.Gln1655His)

Gene: SBF1 (SET binding factor 1; minus strand). Cytogenetic location: 22q13.33.
Variant type: single nucleotide variant.
Coding change: c.4965G>C on transcript NM_002972.4 (MANE Select); coding-DNA position 4965, G replaced by C.
Protein change: p.Gln1655His; replaces glutamine 1655 with histidine.
Molecular consequence: missense variant.
Genome position (GRCh38, 1-based): chr22:50,454,590, C>G on the plus strand (G>C on the coding strand, the complement: SBF1 is on the minus strand). VCF-style: chr22-50454590-C-G. GRCh37 (hg19) VCF-style: chr22-50893019-C-G.
Other names: c.4890G>C, p.Gln1630His (NM_001365819.1); short protein forms Q1655H, Q1630H.
Identifiers: ClinVar variation 618865 (VCV000618865.70), dbSNP rs147869659, ClinGen allele CA10316066.